The following is an entry in ClinVar:

NM_130384.3(ATRIP):c.383T>A (p.Met128Lys)

Genes: ATRIP (ATR interacting protein; plus strand), ATRIP-TREX1 (ATRIP-TREX1 readthrough; plus strand). Cytogenetic location: 3p21.31.
Variant type: single nucleotide variant.
Coding change: c.383T>A on transcript NM_130384.3 (MANE Select); coding-DNA position 383, T replaced by A.
Protein change: p.Met128Lys; replaces methionine 128 with lysine.
Molecular consequence: missense variant. On other transcripts: non-coding transcript variant (1), initiator codon variant (1).
Genome position (GRCh38, 1-based): chr3:48,451,730, T>A. VCF-style: chr3-48451730-T-A. GRCh37 (hg19) VCF-style: chr3-48493136-T-A.
Other names: c.2T>A, p.Met1Lys (NM_001271022.2); c.104T>A, p.Met35Lys (NM_001271023.2); c.383T>A, p.Met128Lys (NM_032166.4); short protein forms M128K, M1K, M35K.
Identifiers: ClinVar variation 4867229 (VCV004867229.1).

ClinVar aggregate classification (germline): Uncertain significance (1 of 4 stars; one submission).

Submission:

Ambry Genetics
Classification: Uncertain significance. Last evaluated: 2026-05-01. Review status: criteria provided, single submitter. Criteria: Ambry Variant Classification Scheme 2023. Collection method: clinical testing. Allele origin: germline.
Comment: The p.M128K variant (also known as c.383T>A), located in coding exon 3 of the ATRIP gene, results from a T to A substitution at nucleotide position 383. The methionine at codon 128 is replaced by lysine, an amino acid with similar properties. This amino acid position is not well conserved in available vertebrate species. In addition, the in silico prediction for this alteration is inconclusive. The evidence for this gene-disease relationship is limited; therefore, the clinical significance of this variant is unclear.